The following is an entry in ClinVar:

ClinVar aggregate classification (germline): Pathogenic. Review status: criteria provided, multiple submitters, no conflicts (2 of 4 stars). 2 submissions from 2 submitters: Pathogenic (2). Last evaluated 2024-12-18.

Allele frequency attached by ClinVar (database versions not stated): gnomAD exomes below 0.00001; TOPMed 0.00001.

Submissions (2):

Labcorp Genetics (formerly Invitae), Labcorp
Classification: Pathogenic. Last evaluated: 2024-12-18. Review status: criteria provided, single submitter. Criteria: Invitae Variant Classification Sherloc (09022015). Collection method: clinical testing. Allele origin: germline.
Comment: This sequence change creates a premature translational stop signal (p.Lys106Glufs*12) in the CDH3 gene. It is expected to result in an absent or disrupted protein product. Loss-of-function variants in CDH3 are known to be pathogenic (PMID: 15805154, 27386845, 29620724). This variant is not present in population databases (gnomAD no frequency). This premature translational stop signal has been observed in individual(s) with congenital hypotrichosis with juvenile macular dystrophy (PMID: 27386845). ClinVar contains an entry for this variant (Variation ID: 2137840). For these reasons, this variant has been classified as Pathogenic.

Revvity Omics, Revvity
Classification: Pathogenic. Last evaluated: 2024-12-17. Review status: criteria provided, single submitter. Criteria: ACMG Guidelines, 2015. Collection method: clinical testing. Allele origin: germline.

Literature cited by the submitters: PubMed 15805154 (cited by Labcorp Genetics (formerly Invitae), Labcorp); PubMed 27386845 (cited by Labcorp Genetics (formerly Invitae), Labcorp); PubMed 29620724 (cited by Labcorp Genetics (formerly Invitae), Labcorp).

NM_001793.6(CDH3):c.316_317del (p.Lys106fs)

Gene: CDH3 (cadherin 3; plus strand). Cytogenetic location: 16q22.1.
Variant type: Deletion.
Coding change: c.316_317del on transcript NM_001793.6 (MANE Select); coding-DNA positions 316 to 317, 2 bases deleted (AA; older notation c.316_317delAA).
Protein change: p.Lys106fs; shifts the reading frame from lysine 106.
Molecular consequence: frameshift variant.
Genome position (GRCh38, 1-based): chr16:68,678,203-68,678,204, AA deleted. VCF-style (leftmost placement, unchanged base first): chr16-68678202-CAA-C. GRCh37 (hg19) VCF-style: chr16-68712105-CAA-C.
Other names: c.316_317del, p.Lys106fs (NM_001317195.3); c.151_152del, p.Lys51fs (NM_001317196.2); short protein forms K51fs, K106fs.
Identifiers: ClinVar variation 2137840 (VCV002137840.5), dbSNP rs1198380114, ClinGen allele CA723170739.